The following is an entry in ClinVar:

ClinVar aggregate classification (germline): Uncertain significance (1 of 4 stars; one submission).

Conditions:
Muscular dystrophy-dystroglycanopathy (congenital with brain and eye anomalies), type a, 8 (MDDGA8). Also called: WALKER-WARBURG SYNDROME OR MUSCLE-EYE-BRAIN DISEASE, GTDC2-RELATED. Identifiers: Orphanet 899, MedGen C3553813, MONDO:0013904, OMIM 614830.

Allele frequency attached by ClinVar (database versions not stated): ExAC 0.00001; gnomAD 0.00001; gnomAD exomes 0.00001 and 0.00002; TOPMed 0.00001.

Submission:

Labcorp Genetics (formerly Invitae), Labcorp
Classification: Uncertain significance for Muscular dystrophy-dystroglycanopathy (congenital with brain and eye anomalies), type a, 8. Last evaluated: 2022-07-30. Review status: criteria provided, single submitter. Criteria: Invitae Variant Classification Sherloc (09022015). Collection method: clinical testing. Allele origin: germline.
Comment: This sequence change replaces histidine, which is basic and polar, with leucine, which is neutral and non-polar, at codon 97 of the POMGNT2 protein (p.His97Leu). This variant is present in population databases (rs762349670, gnomAD 0.01%). This variant has not been reported in the literature in individuals affected with POMGNT2-related conditions. ClinVar contains an entry for this variant (Variation ID: 650972). Algorithms developed to predict the effect of missense changes on protein structure and function (SIFT, PolyPhen-2, Align-GVGD) all suggest that this variant is likely to be disruptive. In summary, the available evidence is currently insufficient to determine the role of this variant in disease. Therefore, it has been classified as a Variant of Uncertain Significance.

NM_032806.6(POMGNT2):c.290A>T (p.His97Leu)

Gene: POMGNT2 (protein O-linked mannose N-acetylglucosaminyltransferase 2 (beta 1,4-); minus strand). Cytogenetic location: 3p22.1.
Variant type: single nucleotide variant.
Coding change: c.290A>T on transcript NM_032806.6 (MANE Select); coding-DNA position 290, A replaced by T.
Protein change: p.His97Leu; replaces histidine 97 with leucine.
Molecular consequence: missense variant.
Genome position (GRCh38, 1-based): chr3:43,081,142, T>A on the plus strand (A>T on the coding strand, the complement: POMGNT2 is on the minus strand). VCF-style: chr3-43081142-T-A. GRCh37 (hg19) VCF-style: chr3-43122634-T-A.
Other names: short protein forms H97L.
Identifiers: ClinVar variation 650972 (VCV000650972.3), dbSNP rs762349670, ClinGen allele CA2340108.